The following is an entry in ClinVar:

ClinVar aggregate classification (germline): Conflicting classifications of pathogenicity. Review status: criteria provided, conflicting classifications (1 of 4 stars). 7 submissions from 7 submitters: Uncertain significance (4); Likely benign (1). 2 of the submissions do not count toward it. Last evaluated 2025-07-17.

Conditions:
Hereditary breast ovarian cancer syndrome. Also called: Hereditary breast and ovarian cancer syndrome; Hereditary breast and ovarian cancer; Hereditary breast and ovarian cancer syndrome (HBOC); Breast and ovarian cancer; Hereditary breast and/or ovarian cancer syndrome; BRCA1- and BRCA2-Associated Hereditary Breast and Ovarian Cancer. Identifiers: Orphanet 145, MedGen C0677776, MeSH D061325, MONDO:0003582. Disease mechanism: loss of function.
Hereditary cancer-predisposing syndrome. Also called: Neoplastic Syndromes, Hereditary; Tumor predisposition; Hereditary neoplastic syndrome; Hereditary Cancer Syndrome. Identifiers: Orphanet 140162, MedGen C0027672, MeSH D009386, MONDO:0015356.
BRCA2-related cancer predisposition. Identifiers: MedGen CN377758, MONDO:0700269.
BRCA2-related disorder. Also called: BRCA2-related condition; BRCA2-related disorders. Identifiers: MedGen CN239275.
Breast-ovarian cancer, familial, susceptibility to, 2 (BROVCA2). Also called: BRCA2 Hereditary Breast and Ovarian Cancer. Identifiers: Orphanet 145, MedGen C2675520, MONDO:0012933, OMIM 612555. Disease mechanism: loss of function.

Allele frequency attached by ClinVar (database versions not stated): gnomAD exomes below 0.00001 and 0.00002; TOPMed below 0.00001; gnomAD 0.00001 and 0.00002.
gnomAD v4.1: 15 of 1,604,408 alleles (0.00093%); highest among the groups gnomAD compares: East Asian, 0.033%; no homozygotes.

Submissions (7):

Ambry Genetics
Classification: Uncertain significance for Hereditary cancer-predisposing syndrome. Last evaluated: 2025-07-17. Review status: criteria provided, single submitter. Criteria: Ambry Variant Classification Scheme 2023. Collection method: clinical testing. Allele origin: germline.
Comment: The p.D1728N variant (also known as c.5182G>A), located in coding exon 10 of the BRCA2 gene, results from a G to A substitution at nucleotide position 5182. The aspartic acid at codon 1728 is replaced by asparagine, an amino acid with highly similar properties. This alteration has been detected in several Japanese cohorts of selected and unselected breast and/or ovarian cancer and prostate cancer patients, as well as in some unaffected control populations (Nakamura S et al. Breast Cancer, 2015 Sep;22:462-8; Momozawa Y et al. Nat Commun, 2018 10;9:4083; Arai M et al. J. Hum. Genet., 2018 Apr;63:447-457; Momozawa Y et al. J Natl Cancer Inst, 2020 Apr;112:369-376). This amino acid position is not well conserved in available vertebrate species, and asparagine is the reference amino acid in other vertebrate species. In addition, this alteration is predicted to be tolerated by in silico analysis. Since supporting evidence is limited at this time, the clinical significance of this alteration remains unclear.

Labcorp Genetics (formerly Invitae), Labcorp
Classification: Uncertain significance for Hereditary breast ovarian cancer syndrome. Last evaluated: 2025-07-02. Review status: criteria provided, single submitter. Criteria: Invitae Variant Classification Sherloc (09022015). Collection method: clinical testing. Allele origin: germline.
Comment: This sequence change replaces aspartic acid, which is acidic and polar, with asparagine, which is neutral and polar, at codon 1728 of the BRCA2 protein (p.Asp1728Asn). This variant is present in population databases (rs80358744, gnomAD 0.006%). This missense change has been observed in individual(s) with breast cancer and prostate cancer as well as in unaffected individuals (PMID: 24249303, 29176636, 30287823, 31214711, 35218119). ClinVar contains an entry for this variant (Variation ID: 51808). Invitae Evidence Modeling of protein sequence and biophysical properties (such as structural, functional, and spatial information, amino acid conservation, physicochemical variation, residue mobility, and thermodynamic stability) indicates that this missense variant is not expected to disrupt BRCA2 protein function with a negative predictive value of 95%. Experimental studies are conflicting or provide insufficient evidence to determine the effect of this variant on BRCA2 function (PMID: 32444794, 37731132). In summary, the available evidence is currently insufficient to determine the role of this variant in disease. Therefore, it has been classified as a Variant of Uncertain Significance.

All of Us Research Program, National Institutes of Health
Classification: Uncertain significance for BRCA2-related cancer predisposition. Last evaluated: 2024-06-09. Review status: criteria provided, single submitter. Criteria: ACMG Guidelines, 2015. Collection method: clinical testing. Allele origin: germline. Inheritance: Autosomal dominant inheritance. Observed: 1 variant allele, 1 heterozygote.
Comment: This missense variant replaces aspartic acid with asparagine at codon 1728 of the BRCA2 protein. Computational prediction suggests that this variant may not impact protein structure and function. Functional studies have shown this variant does not impact homology-direct DNA repair or sensitivity to DNA-damaging agents (PMID: 32444794, 37731132). This variant has been reported in two breast cancer case-control studies in 1/60465 cases and 0/53461 unaffected individuals (PMID: 33471991; Leiden Open Variation Database DB-ID BRCA2_000612) and in 1/7051 female and 0/53 male cases and 3/11241 female and 9/12490 male unaffected individuals (PMID: 30287823). This variant also has been observed in pancreatic and prostate cancer case-control studies in 0/1005 pancreatic cancer cases and 12/23705 unaffected individuals (PMID: 32980694) and in 4/7636 prostate cancer cases and 9/12366 unaffected individuals (PMID: 31214711). This variant has been identified in 1/243070 chromosomes in the general population by the Genome Aggregation Database (gnomAD). The available evidence is insufficient to determine the role of this variant in disease conclusively. Therefore, this variant is classified as a Variant of Uncertain Significance.

This study involves interpretation of variants in research participants for the purpose of population health screening. Participant phenotype was not available at the time of variant classification. Additional details can be found in publication PMID: 35346344, PMCID: PMC8962531

University of Washington Department of Laboratory Medicine, University of Washington
Classification: Likely benign for Hereditary cancer-predisposing syndrome. Last evaluated: 2023-03-23. Review status: criteria provided, single submitter. Criteria: Dines et al. (Genet Med. 2020). Collection method: curation. Allele origin: germline.
Comment: Missense variant in a coldspot region where missense variants are very unlikely to be pathogenic (PMID:31911673).

BRCA2 exon 11 coldspot. Reclassification based on statistical prior probability.

Mendelics
Classification: Uncertain significance for Breast-ovarian cancer, familial, susceptibility to, 2. Last evaluated: 2019-05-28. Review status: criteria provided, single submitter. Criteria: Mendelics Assertion Criteria 2017. Collection method: clinical testing. Allele origin: unknown.

PreventionGenetics, part of Exact Sciences
Classification: Uncertain significance for BRCA2-related condition. Last evaluated: 2024-08-27. Review status: no assertion criteria provided. Collection method: clinical testing. Allele origin: germline. Not counted in ClinVar's aggregate classification.
Comment: The BRCA2 c.5182G>A variant is predicted to result in the amino acid substitution p.Asp1728Asn. The variant has also been noted in a patient with a strong family history of breast cancer, a patient with prostate cancer, and in patients and controls in a Japanese cohort focusing on biliary tract cancer (Nakamura et al. 2013. PubMed ID: 24249303; Momozawa et al. 2020. PubMed ID: 31214711; Supplementary Table 2, Okawa et al. 2023. PubMed ID: 36243179). A functional study noted that the variant had 90% of the homologous recombination activity as wildtype and was classified as benign (Guo et al. 2023. PubMed ID: 37731132). This variant occurs within a region of the BRCA2 gene that is predicted to be tolerant to missense variation (Table 2, Dines et al. 2020. PubMed ID: 31911673). This variant has conflicting classifications listed in ClinVar ranging from likely benign to uncertain. This variant is reported in 0.0055% of alleles in individuals of East Asian descent in gnomAD. Although we suspect this variant is benign, at this time, the clinical significance of this variant is uncertain due to the absence of conclusive functional and genetic evidence.

Breast Cancer Information Core (BIC) (BRCA2)
Classification: Uncertain significance for Breast-ovarian cancer, familial 2. Last evaluated: 2003-12-23. Review status: no assertion criteria provided. Collection method: clinical testing. Allele origin: germline. Affected: yes. Observed: 1 variant allele. Not counted in ClinVar's aggregate classification.

Literature cited by the submitters: PubMed 24249303 (cited by Ambry Genetics and Labcorp Genetics (formerly Invitae), Labcorp); PubMed 29176636 (cited by Ambry Genetics and Labcorp Genetics (formerly Invitae), Labcorp); PubMed 30287823 (cited by 3 submitters); PubMed 31214711 (cited by 3 submitters); PubMed 35218119 (cited by Labcorp Genetics (formerly Invitae), Labcorp); PubMed 32444794 (cited by Labcorp Genetics (formerly Invitae), Labcorp and All of Us Research Program, National Institutes of Health); PubMed 37731132 (cited by Labcorp Genetics (formerly Invitae), Labcorp and All of Us Research Program, National Institutes of Health); PubMed 32980694 (cited by All of Us Research Program, National Institutes of Health); PubMed 33471991 (cited by All of Us Research Program, National Institutes of Health).

NM_000059.4(BRCA2):c.5182G>A (p.Asp1728Asn)

Gene: BRCA2 (BRCA2 DNA repair associated; plus strand). Cytogenetic location: 13q13.1.
Variant type: single nucleotide variant.
Coding change: c.5182G>A on transcript NM_000059.4 (MANE Select); coding-DNA position 5182, G replaced by A.
Protein change: p.Asp1728Asn; replaces aspartic acid 1728 with asparagine.
Molecular consequence: missense variant.
Genome position (GRCh38, 1-based): chr13:32,339,537, G>A. VCF-style: chr13-32339537-G-A. GRCh37 (hg19) VCF-style: chr13-32913674-G-A.
Other names: short protein forms D1728N.
Identifiers: ClinVar variation 51808 (VCV000051808.19), dbSNP rs80358744, ClinGen allele CA021620.